The following is an entry in ClinVar:

ClinVar aggregate classification (germline): Uncertain significance. Review status: criteria provided, multiple submitters, no conflicts (2 of 4 stars). 3 submissions from 3 submitters: Uncertain significance (3). Last evaluated 2025-12-08.

Conditions:
Inborn genetic diseases. Identifiers: MedGen C0950123, MeSH D030342.
Malignant hyperthermia, susceptibility to, 1 (MHS1). Also called: Malignant hyperthermia suceptibility 1; Anesthesia related hyperthermia; Malignant hyperpyrexia; Fulminating hyperpyrexia; Pharmacogenic myopathy; RYR1-Related Malignant Hyperthermia Susceptibility. Identifiers: Orphanet 423, MedGen C2930980, MONDO:0007783, OMIM 145600.
RYR1-related disorder. Also called: RYR1-related disorders; RYR1-related condition. Identifiers: MedGen CN239331.

gnomAD v4.1: 9 of 1,613,482 alleles (0.00056%); highest among the groups gnomAD compares: South Asian, 0.0066%; no homozygotes.

Submissions (3):

Labcorp Genetics (formerly Invitae), Labcorp
Classification: Uncertain significance for RYR1-related disorder. Last evaluated: 2025-12-08. Review status: criteria provided, single submitter. Criteria: Invitae Variant Classification Sherloc (09022015). Collection method: clinical testing. Allele origin: germline.
Comment: This sequence change replaces valine, which is neutral and non-polar, with methionine, which is neutral and non-polar, at codon 994 of the RYR1 protein (p.Val994Met). This variant is not present in population databases (gnomAD no frequency). This variant has not been reported in the literature in individuals affected with RYR1-related conditions. Invitae Evidence Modeling of protein sequence and biophysical properties (such as structural, functional, and spatial information, amino acid conservation, physicochemical variation, residue mobility, and thermodynamic stability) has been performed for this missense variant. However, the output from this modeling did not meet the statistical confidence thresholds required to predict the impact of this variant on RYR1 protein function. In summary, the available evidence is currently insufficient to determine the role of this variant in disease. Therefore, it has been classified as a Variant of Uncertain Significance.

Ambry Genetics
Classification: Uncertain significance for Inborn genetic diseases. Last evaluated: 2025-09-28. Review status: criteria provided, single submitter. Criteria: Ambry Variant Classification Scheme 2023. Collection method: clinical testing. Allele origin: germline.

Color Diagnostics, LLC DBA Color Health
Classification: Uncertain significance for Malignant hyperthermia, susceptibility to, 1. Last evaluated: 2025-09-22. Review status: criteria provided, single submitter. Criteria: ACMG Guidelines, 2015. Collection method: clinical testing. Allele origin: germline.
Comment: This missense variant replaces valine with methionine at codon 994 of the RYR1 protein. Computational prediction suggests that this variant may have deleterious impact on protein structure and function. To our knowledge, functional studies have not been reported for this variant. This variant has not been reported in individuals affected with RYR1-related disorders in the literature. This variant has not been identified in the general population by the Genome Aggregation Database (gnomAD). The available evidence is insufficient to determine the role of this variant in disease conclusively. Therefore, this variant is classified as a Variant of Uncertain Significance.

NM_000540.3(RYR1):c.2980G>A (p.Val994Met)

Gene: RYR1 (ryanodine receptor 1; plus strand). Cytogenetic location: 19q13.2.
Variant type: single nucleotide variant.
Coding change: c.2980G>A on transcript NM_000540.3 (MANE Select); coding-DNA position 2980, G replaced by A.
Protein change: p.Val994Met; replaces valine 994 with methionine.
Molecular consequence: missense variant.
Genome position (GRCh38, 1-based): chr19:38,466,200, G>A. VCF-style: chr19-38466200-G-A. GRCh37 (hg19) VCF-style: chr19-38956840-G-A.
Other names: c.2980G>A, p.Val994Met (NM_001042723.2); short protein forms V994M.
Identifiers: ClinVar variation 4629730 (VCV004629730.2).